The following is an entry in ClinVar:

ClinVar aggregate classification (germline): Uncertain significance. Review status: criteria provided, multiple submitters, no conflicts (2 of 4 stars). 2 submissions from 2 submitters: Uncertain significance (2). Last evaluated 2022-04-22.

Conditions:
Cardiovascular phenotype. Identifiers: MedGen CN230736.
Naxos disease (NXD). Also called: KERATOSIS PALMOPLANTARIS WITH ARRHYTHMOGENIC CARDIOMYOPATHY; MAL DE NAXOS; PALMOPLANTAR KERATODERMA WITH ARRHYTHMOGENIC RIGHT VENTRICULAR CARDIOMYOPATHY AND WOOLLY HAIR; WOOLLY HAIR, PALMOPLANTAR KERATODERMA, AND CARDIAC ABNORMALITIES; CARDIOMYOPATHY, ARRHYTHMOGENIC RIGHT VENTRICULAR, WITH SKIN, HAIR, AND NAIL ABNORMALITIES. Identifiers: Orphanet 34217, MedGen C1832600, MONDO:0011017, OMIM 601214.
Arrhythmogenic right ventricular dysplasia 12. Also called: ARRHYTHMOGENIC RIGHT VENTRICULAR DYSPLASIA, FAMILIAL, 12. Identifiers: MedGen C1969081, MONDO:0012684, OMIM 611528.

Submissions (2):

Labcorp Genetics (formerly Invitae), Labcorp
Classification: Uncertain significance for Arrhythmogenic right ventricular dysplasia 12; Naxos disease. Last evaluated: 2022-04-22. Review status: criteria provided, single submitter. Criteria: Invitae Variant Classification Sherloc (09022015). Collection method: clinical testing. Allele origin: germline.
Comment: This sequence change replaces glutamine, which is neutral and polar, with arginine, which is basic and polar, at codon 494 of the JUP protein (p.Gln494Arg). This variant is not present in population databases (gnomAD no frequency). This variant has not been reported in the literature in individuals affected with JUP-related conditions. Algorithms developed to predict the effect of missense changes on protein structure and function (SIFT, PolyPhen-2, Align-GVGD) all suggest that this variant is likely to be tolerated. In summary, the available evidence is currently insufficient to determine the role of this variant in disease. Therefore, it has been classified as a Variant of Uncertain Significance.

Ambry Genetics
Classification: Uncertain significance for Cardiovascular phenotype. Last evaluated: 2018-12-03. Review status: criteria provided, single submitter. Criteria: Ambry Variant Classification Scheme 2023. Collection method: clinical testing. Allele origin: germline.
Comment: The p.Q494R variant (also known as c.1481A>G), located in coding exon 7 of the JUP gene, results from an A to G substitution at nucleotide position 1481. The glutamine at codon 494 is replaced by arginine, an amino acid with highly similar properties. This amino acid position is not well conserved in available vertebrate species. In addition, this alteration is predicted to be tolerated by in silico analysis. Since supporting evidence is limited at this time, the clinical significance of this alteration remains unclear.

NM_002230.4(JUP):c.1481A>G (p.Gln494Arg)

Gene: JUP (junction plakoglobin; minus strand). Cytogenetic location: 17q21.2.
Variant type: single nucleotide variant.
Coding change: c.1481A>G on transcript NM_002230.4 (MANE Select); coding-DNA position 1481, A replaced by G.
Protein change: p.Gln494Arg; replaces glutamine 494 with arginine.
Molecular consequence: missense variant.
Genome position (GRCh38, 1-based): chr17:41,762,999, T>C on the plus strand (A>G on the coding strand, the complement: JUP is on the minus strand). VCF-style: chr17-41762999-T-C. GRCh37 (hg19) VCF-style: chr17-39919251-T-C.
Other names: c.1481A>G, p.Gln494Arg (NM_001352773.2, NM_001352774.2, NM_001352775.2 and 3 more transcripts); short protein forms Q494R.
Identifiers: ClinVar variation 1518653 (VCV001518653.7), dbSNP rs2143558258, ClinGen allele CA399496142.